The following is an entry in ClinVar:

NM_001267550.2(TTN):c.74348T>A (p.Val24783Asp)

Genes: TTN (titin; minus strand), TTN-AS1 (TTN antisense RNA 1; plus strand). Cytogenetic location: 2q31.2.
Variant type: single nucleotide variant.
Coding change: c.74348T>A on transcript NM_001267550.2 (MANE Select); coding-DNA position 74348, T replaced by A.
Protein change: p.Val24783Asp; replaces valine 24783 with aspartic acid.
Molecular consequence: missense variant.
Genome position (GRCh38, 1-based): chr2:178,571,784, A>T on the plus strand (T>A on the coding strand, the complement: TTN is on the minus strand). VCF-style: chr2-178571784-A-T. GRCh37 (hg19) VCF-style: chr2-179436511-A-T.
Other names: c.69425T>A, p.Val23142Asp (NM_001256850.1); c.47153T>A, p.Val15718Asp (NM_003319.4); c.66644T>A, p.Val22215Asp (NM_133378.4); c.47528T>A, p.Val15843Asp (NM_133432.3); c.47729T>A, p.Val15910Asp (NM_133437.4); short protein forms V15718D, V15843D, V15910D, V22215D, V23142D, V24783D.
Identifiers: ClinVar variation 3900518 (VCV003900518.1).

ClinVar aggregate classification (germline): Uncertain significance (1 of 4 stars; one submission).

Submission:

GeneDx
Classification: Uncertain significance. Last evaluated: 2024-11-23. Review status: criteria provided, single submitter. Criteria: GeneDx Variant Classification Process June 2021. Collection method: clinical testing. Allele origin: germline. Affected: yes.
Comment: Not observed at significant frequency in large population cohorts (gnomAD); Missense variant in a gene in which most reported pathogenic variants are truncating/loss of function; Has not been previously published as pathogenic or benign to our knowledge; This variant is associated with the following publications: (PMID: 23975875)